The following is an entry in ClinVar:

ClinVar aggregate classification (germline): Likely benign. Review status: criteria provided, multiple submitters, no conflicts (2 of 4 stars). 2 submissions from 2 submitters: Likely benign (2). Last evaluated 2024-11-30.

Conditions:
Alstrom syndrome (ALMS). Identifiers: Orphanet 64, MedGen C0268425, MONDO:0008763, OMIM 203800.

Allele frequency attached by ClinVar (database versions not stated): gnomAD exomes below 0.00001; ExAC 0.00001.

Submissions (2):

Labcorp Genetics (formerly Invitae), Labcorp
Classification: Likely benign for Alstrom syndrome. Last evaluated: 2024-11-30. Review status: criteria provided, single submitter. Criteria: Invitae Variant Classification Sherloc (09022015). Collection method: clinical testing. Allele origin: germline.

GeneDx
Classification: Likely benign. Last evaluated: 2017-01-30. Review status: criteria provided, single submitter. Criteria: GeneDx Variant Classification (06012015). Collection method: clinical testing. Allele origin: germline. Affected: yes.
Comment: This variant is considered likely benign or benign based on one or more of the following criteria: it is a conservative change, it occurs at a poorly conserved position in the protein, it is predicted to be benign by multiple in silico algorithms, and/or has population frequency not consistent with disease.

NM_001378454.1(ALMS1):c.4989T>C (p.Thr1663=)

Gene: ALMS1 (ALMS1 centrosome and basal body associated protein; plus strand). Cytogenetic location: 2p13.1.
Variant type: single nucleotide variant.
Coding change: c.4989T>C on transcript NM_001378454.1 (MANE Select); coding-DNA position 4989, T replaced by C.
Protein change: p.Thr1663=; no amino-acid change (threonine 1663 retained).
Molecular consequence: synonymous variant.
Genome position (GRCh38, 1-based): chr2:73,451,516, T>C. VCF-style: chr2-73451516-T-C. GRCh37 (hg19) VCF-style: chr2-73678643-T-C.
Other names: c.4992T>C, p.Thr1664= (NM_015120.4).
Identifiers: ClinVar variation 507070 (VCV000507070.4), dbSNP rs774538998, ClinGen allele CA1713809.